The following is an entry in ClinVar:

ClinVar aggregate classification (germline): Benign (1 of 4 stars; one submission).

Allele frequency attached by ClinVar (database versions not stated): gnomAD 0.02825 and 0.03044; 1000 Genomes Project 0.03135; TOPMed 0.03223; 1000 Genomes Project 30x 0.03342.
gnomAD v4.1: 4,254 of 152,242 alleles (2.8%); highest among the groups gnomAD compares: African/African-American, 9.7%; 202 homozygotes.

Submission:

GeneDx
Classification: Benign. Last evaluated: 2018-06-16. Review status: criteria provided, single submitter. Criteria: GeneDx Variant Classification (06012015). Collection method: clinical testing. Allele origin: germline. Affected: yes.
Comment: This variant is considered likely benign or benign based on one or more of the following criteria: it is a conservative change, it occurs at a poorly conserved position in the protein, it is predicted to be benign by multiple in silico algorithms, and/or has population frequency not consistent with disease.

NM_014365.3(HSPB8):c.431+155A>G

Gene: HSPB8 (heat shock protein family B (small) member 8; plus strand). Cytogenetic location: 12q24.23.
Variant type: single nucleotide variant.
Coding change: c.431+155A>G on transcript NM_014365.3 (MANE Select); 155 bases into the intron after coding-DNA position 431, A replaced by G.
Molecular consequence: intron variant.
Genome position (GRCh38, 1-based): chr12:119,187,243, A>G. VCF-style: chr12-119187243-A-G. GRCh37 (hg19) VCF-style: chr12-119625048-A-G.
Identifiers: ClinVar variation 677277 (VCV000677277.1), dbSNP rs76249411, ClinGen allele CA244340249.
Genomic context (GRCh38, chr12:119,187,243, plus strand): 5'-TCTTTTAAGACACCTCCTTGGGGCAGGGAATTGAACCCTCACACCTAACGAGGAGAAAAT[A>G]TCCCAGCAGACCTGTAATAGGGTCCCAGAAGGGGGAGCACATAGATTGCATCATCTCATC-3'